The following is an entry in ClinVar:

ClinVar aggregate classification (germline): Uncertain significance (1 of 4 stars; one submission).

gnomAD v4.1: 3 of 1,553,474 alleles (0.00019%); highest among the groups gnomAD compares: Non-Finnish European, 0.00026%; no homozygotes.

Submission:

GeneDx
Classification: Uncertain significance. Last evaluated: 2017-09-29. Review status: criteria provided, single submitter. Criteria: GeneDx Variant Classification (06012015). Collection method: clinical testing. Allele origin: germline. Affected: yes.
Comment: A variant of uncertain significance has been identified in the CACNA1A gene. The G946R variant has not been published as a pathogenic variant, nor has it been reported as a benign variant to ourknowledge. This variant is not observed in large population cohorts (Lek et al., 2016). The G946R variant is a non-conservative amino acid substitution, which is likely to impact secondary protein structure as these residues differ in polarity, charge, size and/or other properties. However, this substitution occurs at a position that is not conserved. In silico analysis predicts this variant likelydoes not alter the protein structure/function. Therefore, based on the currently available information, it is unclear whether this variant is a pathogenic variant or a rare benign variant.

NM_001127222.2(CACNA1A):c.2833G>C (p.Gly945Arg)

Gene: CACNA1A (calcium voltage-gated channel subunit alpha1 A; minus strand). Cytogenetic location: 19p13.13.
Variant type: single nucleotide variant.
Coding change: c.2833G>C on transcript NM_001127222.2 (MANE Select); coding-DNA position 2833, G replaced by C.
Protein change: p.Gly945Arg; replaces glycine 945 with arginine.
Molecular consequence: missense variant.
Genome position (GRCh38, 1-based): chr19:13,298,800, C>G on the plus strand (G>C on the coding strand, the complement: CACNA1A is on the minus strand). VCF-style: chr19-13298800-C-G. GRCh37 (hg19) VCF-style: chr19-13409614-C-G.
Other names: c.2845G>C, p.Gly949Arg (NM_000068.4, NM_023035.3); c.2836G>C, p.Gly946Arg (NM_001127221.2, NM_001174080.2); short protein forms G946R, G945R, G949R.
Identifiers: ClinVar variation 452320 (VCV000452320.2), dbSNP rs527593196, ClinGen allele CA404342625.